The following is an entry in ClinVar:

ClinVar aggregate classification (germline): Uncertain significance. Review status: criteria provided, multiple submitters, no conflicts (2 of 4 stars). 5 submissions from 5 submitters: Uncertain significance (5). Last evaluated 2026-09-20.

Conditions:
Cardiovascular phenotype. Identifiers: MedGen CN230736.
Cardiomyopathy (CMYO). Also called: Cardiomyopathies. Identifiers: Orphanet 167848, MedGen C0878544, MONDO:0004994, HP:0001638. Inheritance: Various modes of inheritance.
Hypertrophic cardiomyopathy. Also called: HYPERTROPHIC MYOCARDIOPATHY. Identifiers: Orphanet 217569, MedGen C0007194, MeSH D002312, MONDO:0005045, HP:0001639.

Allele frequency attached by ClinVar (database versions not stated): gnomAD exomes below 0.00001.
gnomAD v4.1: 4 of 1,614,226 alleles (0.00025%); highest among the groups gnomAD compares: Non-Finnish European, 0.00034%; no homozygotes.

Submissions (5):

GeneDx
Classification: Uncertain significance. Last evaluated: 2026-09-20. Review status: criteria provided, single submitter. Criteria: GeneDx Variant Classification Process June 2021. Collection method: clinical testing. Allele origin: germline.
Comment: Has not been previously published as pathogenic or benign to our knowledge; Not observed at significant frequency in large population cohorts (gnomAD); Canonical splice site variant in a gene or region of a gene for which loss of function is not a well-established mechanism of disease

Labcorp Genetics (formerly Invitae), Labcorp
Classification: Uncertain significance for Hypertrophic cardiomyopathy. Last evaluated: 2025-11-17. Review status: criteria provided, single submitter. Criteria: Invitae Variant Classification Sherloc (09022015). Collection method: clinical testing. Allele origin: germline.
Comment: This sequence change affects a donor splice site in intron 21 of the MYH7 gene. It is expected to disrupt RNA splicing. Variants that disrupt the donor or acceptor splice site typically lead to a loss of protein function (PMID: 16199547), however the current clinical and genetic evidence is not sufficient to establish whether loss-of-function variants in MYH7 cause disease. This variant is not present in population databases (gnomAD no frequency). This variant has not been reported in the literature in individuals affected with MYH7-related conditions. ClinVar contains an entry for this variant (Variation ID: 519199). Algorithms developed to predict the effect of sequence changes on RNA splicing suggest that this variant may disrupt the consensus splice site. In summary, the available evidence is currently insufficient to determine the role of this variant in disease. Therefore, it has been classified as a Variant of Uncertain Significance.

All of Us Research Program, National Institutes of Health
Classification: Uncertain significance for Cardiomyopathy. Last evaluated: 2023-11-30. Review status: criteria provided, single submitter. Criteria: ACMG Guidelines, 2015. Collection method: clinical testing. Allele origin: germline. Inheritance: Autosomal dominant inheritance. Observed: 3 variant alleles, 3 heterozygotes.
Comment: This variant causes a G>A nucleotide substitution at the canonical +1 position of intron 21 splice donor site of the MYH7 gene. Splice site prediction tools predict that this variant may have a significant impact on RNA splicing. To our knowledge, functional studies have not been reported for this variant. This variant has not been reported in individuals affected with cardiovascular disorders in the literature. This variant has not been identified in the general population by the Genome Aggregation Database (gnomAD). Clinical significance of loss-of-function MYH7 truncation variants in autosomal dominant cardiovascular disorders is not clearly established. The available evidence is insufficient to determine the role of this variant in disease conclusively. Therefore, this variant is classified as a Variant of Uncertain Significance.

This study involves interpretation of variants in research participants for the purpose of population health screening. Participant phenotype was not available at the time of variant classification. Additional details can be found in publication PMID: 35346344, PMCID: PMC8962531

Color Diagnostics, LLC DBA Color Health
Classification: Uncertain significance for Cardiomyopathy. Last evaluated: 2023-04-21. Review status: criteria provided, single submitter. Criteria: ACMG Guidelines, 2015. Collection method: clinical testing. Allele origin: germline.
Comment: This variant causes a G>A nucleotide substitution at the canonical +1 position of intron 21 splice donor site of the MYH7 gene. Splice site prediction tools predict that this variant may have a significant impact on RNA splicing. To our knowledge, functional studies have not been reported for this variant. This variant has not been reported in individuals affected with cardiovascular disorders in the literature. This variant has not been identified in the general population by the Genome Aggregation Database (gnomAD). Clinical significance of loss-of-function MYH7 truncation variants in autosomal dominant cardiovascular disorders is not clearly established. The available evidence is insufficient to determine the role of this variant in disease conclusively. Therefore, this variant is classified as a Variant of Uncertain Significance.

Ambry Genetics
Classification: Uncertain significance for Cardiovascular phenotype. Last evaluated: 2016-06-16. Review status: criteria provided, single submitter. Criteria: Ambry Variant Classification Scheme 2023. Collection method: clinical testing. Allele origin: germline.
Comment: The c.2423+1G>A intronic variant results from a G to A substitution one nucleotide downstream of coding exon 19 of the MYH7 gene. This variant was previously reported in the SNPDatabase as rs113580172. This variant was not reported in population based cohorts in the following databases: NHLBI Exome Sequencing Project (ESP), and 1000 Genomes Project. In the ESP, this variant was not observed in 6503 samples (13006 alleles) with coverage at this position. This nucleotide position is highly conserved in available vertebrate species. Using the BDGP and ESEfinder splice site prediction tools, this alteration is predicted to abolish the native splice donor site; however, direct evidence is unavailable. Alterations that disrupt the canonical splice donor site are typically deleterious in nature; however, as neither this specific alteration nor loss of function as a mechanism of pathogenicity have been well-described in the MYH7 gene, the clinical significance of this variant remains unknown (ACMG Standards and guidelines for the interpretation of sequence variants. Genet Med. 2015;17(5):405-24).

Literature cited by the submitters: PubMed 16199547 (cited by Labcorp Genetics (formerly Invitae), Labcorp).

NM_000257.4(MYH7):c.2423+1G>A

Genes: MYH7 (myosin heavy chain 7; minus strand), LOC126861898 (BRD4-independent group 4 enhancer GRCh37_chr14:23893609-23894808; plus strand). Cytogenetic location: 14q11.2.
Variant type: single nucleotide variant.
Coding change: c.2423+1G>A on transcript NM_000257.4 (MANE Select); the canonical splice donor site of the intron after coding-DNA position 2423, G replaced by A.
Molecular consequence: splice donor variant.
Genome position (GRCh38, 1-based): chr14:23,425,281, C>T on the plus strand (G>A on the coding strand, the complement: MYH7 is on the minus strand). VCF-style: chr14-23425281-C-T. GRCh37 (hg19) VCF-style: chr14-23894490-C-T.
Other names: c.2423+1G>A (NM_001407004.1).
Identifiers: ClinVar variation 519199 (VCV000519199.21), dbSNP rs113580172, ClinGen allele CA257819656.